The following is an entry in ClinVar:

ClinVar aggregate classification (germline): Likely benign. Review status: criteria provided, multiple submitters, no conflicts (2 of 4 stars). 2 submissions from 2 submitters: Likely benign (2). Last evaluated 2025-05-02.

Conditions:
ITGA7-related disorder. Also called: ITGA7-related condition.

Allele frequency attached by ClinVar (database versions not stated): gnomAD 0.00003; TOPMed 0.00003; ExAC 0.00015.
gnomAD v4.1: 93 of 1,607,484 alleles (0.0058%); highest among the groups gnomAD compares: South Asian, 0.08%; 2 homozygotes.

Submissions (2):

PreventionGenetics, part of Exact Sciences
Classification: Likely benign for ITGA7-related condition. Last evaluated: 2025-05-02. Review status: criteria provided, single submitter. Criteria: ACMG Guidelines, 2015. Collection method: clinical testing. Allele origin: germline.
Comment: This variant is classified as likely benign based on ACMG/AMP sequence variant interpretation guidelines (Richards et al. 2015 PMID: 25741868, with internal and published modifications).

CeGaT Center for Human Genetics Tuebingen
Classification: Likely benign. Last evaluated: 2022-03-01. Review status: criteria provided, single submitter. Criteria: CeGaT Center For Human Genetics Tuebingen Variant Classification Criteria Version 2. Collection method: clinical testing. Allele origin: germline. Affected: yes. Observed: 1 variant allele.
Comment: ITGA7: BP4, BP7

NM_002206.3(ITGA7):c.671-295G>A

Gene: ITGA7 (integrin subunit alpha 7; minus strand). Cytogenetic location: 12q13.2.
Variant type: single nucleotide variant.
Coding change: c.671-295G>A on transcript NM_002206.3 (MANE Select); 295 bases into the intron before coding-DNA position 671, G replaced by A.
Molecular consequence: intron variant. On other transcripts: synonymous variant (6).
Genome position (GRCh38, 1-based): chr12:55,700,284, C>T on the plus strand (G>A on the coding strand, the complement: ITGA7 is on the minus strand). VCF-style: chr12-55700284-C-T. GRCh37 (hg19) VCF-style: chr12-56094068-C-T.
Other names: c.780G>A (NM_001144996.1); c.780G>A, p.Pro260= (NM_001144996.2, NM_001410977.1, NM_001414029.1 and 1 more transcripts); c.489G>A, p.Pro163= (NM_001144997.2); c.441G>A, p.Pro147= (NM_001367993.1); c.332-295G>A (NM_001414035.1); c.488-295G>A (NM_001414033.1); c.-503+615G>A (NM_001367994.1); c.670+615G>A (NM_001414032.1); and 1 more.
Identifiers: ClinVar variation 2643062 (VCV002643062.25), dbSNP rs761948061, ClinGen allele CA6616219.